The following is an entry in ClinVar:

NM_001868.4(CPA1):c.1192C>T (p.Pro398Ser)

Gene: CPA1 (carboxypeptidase A1; plus strand). Cytogenetic location: 7q32.2.
Variant type: single nucleotide variant.
Coding change: c.1192C>T on transcript NM_001868.4 (MANE Select); coding-DNA position 1192, C replaced by T.
Protein change: p.Pro398Ser; replaces proline 398 with serine.
Molecular consequence: missense variant.
Genome position (GRCh38, 1-based): chr7:130,387,943, C>T. VCF-style: chr7-130387943-C-T. GRCh37 (hg19) VCF-style: chr7-130027784-C-T.
Other names: short protein forms P398S.
Identifiers: ClinVar variation 1391981 (VCV001391981.11), dbSNP rs782420276, ClinGen allele CA4485077.

ClinVar aggregate classification (germline): Uncertain significance. Review status: criteria provided, multiple submitters, no conflicts (2 of 4 stars). 2 submissions from 2 submitters: Uncertain significance (2). Last evaluated 2025-07-27.

Conditions:
Hereditary pancreatitis (PCTT). Also called: PRSS1-Related Hereditary Pancreatitis; Hereditary chronic pancreatitis. Identifiers: Orphanet 676, MedGen C0238339, MONDO:0008185, OMIM 167800.

Allele frequency attached by ClinVar (database versions not stated): ExAC 0.00002; gnomAD 0.00002; gnomAD exomes 0.00002 and 0.00006; TOPMed 0.00003.
gnomAD v4.1: 87 of 1,614,014 alleles (0.0054%); highest among the groups gnomAD compares: Non-Finnish European, 0.0069%; no homozygotes.

Submissions (2):

Labcorp Genetics (formerly Invitae), Labcorp
Classification: Uncertain significance. Last evaluated: 2025-07-27. Review status: criteria provided, single submitter. Criteria: Invitae Variant Classification Sherloc (09022015). Collection method: clinical testing. Allele origin: germline.
Comment: This sequence change replaces proline, which is neutral and non-polar, with serine, which is neutral and polar, at codon 398 of the CPA1 protein (p.Pro398Ser). This variant is present in population databases (rs782420276, gnomAD 0.005%). This variant has not been reported in the literature in individuals affected with CPA1-related conditions. ClinVar contains an entry for this variant (Variation ID: 1391981). Invitae Evidence Modeling of protein sequence and biophysical properties (such as structural, functional, and spatial information, amino acid conservation, physicochemical variation, residue mobility, and thermodynamic stability) indicates that this missense variant is not expected to disrupt CPA1 protein function with a negative predictive value of 80%. In summary, the available evidence is currently insufficient to determine the role of this variant in disease. Therefore, it has been classified as a Variant of Uncertain Significance.

Ambry Genetics
Classification: Uncertain significance for Hereditary pancreatitis. Last evaluated: 2024-10-27. Review status: criteria provided, single submitter. Criteria: Ambry Variant Classification Scheme 2023. Collection method: clinical testing. Allele origin: germline.
Comment: The p.P398S variant (also known as c.1192C>T), located in coding exon 10 of the CPA1 gene, results from a C to T substitution at nucleotide position 1192. The proline at codon 398 is replaced by serine, an amino acid with similar properties. This amino acid position is well conserved in available vertebrate species; however, serine is the reference amino acid in other vertebrate species. In addition, this alteration is predicted to be tolerated by in silico analysis. Since supporting evidence is limited at this time, the clinical significance of this alteration remains unclear.